The following is an entry in ClinVar:

NM_000719.7(CACNA1C):c.3718-333T>C

Gene: CACNA1C (calcium voltage-gated channel subunit alpha1 C; plus strand). Cytogenetic location: 12p13.33.
Variant type: single nucleotide variant.
Coding change: c.3718-333T>C on transcript NM_000719.7 (MANE Select); 333 bases into the intron before coding-DNA position 3718, T replaced by C.
Molecular consequence: intron variant.
Genome position (GRCh38, 1-based): chr12:2,611,570, T>C. VCF-style: chr12-2611570-T-C. GRCh37 (hg19) VCF-style: chr12-2720736-T-C.
Other names: c.3718-333T>C (NM_001167624.3, NM_001167623.2, NM_001167625.2 and 15 more transcripts); c.3778-333T>C (NM_199460.4, NM_001129827.2, NM_001129832.2); c.3709-333T>C (NM_001129844.2).
Identifiers: ClinVar variation 683277 (VCV000683277.1), dbSNP rs216006, ClinGen allele CA13752369.
Genomic context (GRCh38, chr12:2,611,570, plus strand): 5'-GGGAGAGGGGAGGAGATGGAGAAGGGAGGGATGAGCTGGACGCATTCGTTGTCGGTAAGG[T>C]GTGGCGTGTGGAGGGAGGTGGGTTCTGCATCCACCTGTCTTCAGGGACAGAGCTTGTTCC-3'

ClinVar aggregate classification (germline): Benign (1 of 4 stars; one submission).

Allele frequency attached by ClinVar (database versions not stated): gnomAD 0.20988 and 0.21394; TOPMed 0.21524; 1000 Genomes Project 30x 0.26031; 1000 Genomes Project 0.26218.
gnomAD v4.1: 32,382 of 151,726 alleles (21%); highest among the groups gnomAD compares: East Asian, 36%; 3,606 homozygotes.

Submission:

GeneDx
Classification: Benign. Last evaluated: 2018-06-19. Review status: criteria provided, single submitter. Criteria: GeneDx Variant Classification (06012015). Collection method: clinical testing. Allele origin: germline. Affected: yes.
Comment: This variant is considered likely benign or benign based on one or more of the following criteria: it is a conservative change, it occurs at a poorly conserved position in the protein, it is predicted to be benign by multiple in silico algorithms, and/or has population frequency not consistent with disease.